The following is an entry in ClinVar:

NM_014727.3(KMT2B):c.7428C>A (p.Ala2476=)

Gene: KMT2B (lysine methyltransferase 2B; plus strand). Cytogenetic location: 19q13.12.
Variant type: single nucleotide variant.
Coding change: c.7428C>A on transcript NM_014727.3 (MANE Select); coding-DNA position 7428, C replaced by A.
Protein change: p.Ala2476=; no amino-acid change (alanine 2476 retained).
Molecular consequence: synonymous variant.
Genome position (GRCh38, 1-based): chr19:35,737,141, C>A. VCF-style: chr19-35737141-C-A. GRCh37 (hg19) VCF-style: chr19-36228042-C-A.
Other names: c.7428C>A (NM_014727.1).
Identifiers: ClinVar variation 1050132 (VCV001050132.8), dbSNP rs368560676, ClinGen allele CA9385965.

ClinVar aggregate classification (germline): Benign/Likely benign. Review status: criteria provided, multiple submitters, no conflicts (2 of 4 stars). 4 submissions from 4 submitters: Benign (1); Likely benign (2). 1 of the submissions does not count toward it. Last evaluated 2025-12-30.

Conditions:
Inborn genetic diseases. Identifiers: MedGen C0950123, MeSH D030342.

Allele frequency attached by ClinVar (database versions not stated): 1000 Genomes Project 0.00040; 1000 Genomes Project 30x 0.00047; ESP Exome Variant Server 0.00055.
gnomAD v4.1: 92 of 1,610,866 alleles (0.0057%); highest among the groups gnomAD compares: African/African-American, 0.11%; no homozygotes.

Submissions (4):

Labcorp Genetics (formerly Invitae), Labcorp
Classification: Benign. Last evaluated: 2025-12-30. Review status: criteria provided, single submitter. Criteria: Invitae Variant Classification Sherloc (09022015). Collection method: clinical testing. Allele origin: germline.

Ambry Genetics
Classification: Likely benign for Inborn genetic diseases. Last evaluated: 2024-12-26. Review status: criteria provided, single submitter. Criteria: Ambry Variant Classification Scheme 2023. Collection method: clinical testing. Allele origin: germline.

GeneDx
Classification: Likely benign. Last evaluated: 2021-05-25. Review status: criteria provided, single submitter. Criteria: GeneDx Variant Classification Process June 2021. Collection method: clinical testing. Allele origin: germline. Affected: yes.

Department of Pathology and Laboratory Medicine, Sinai Health System
Classification: Uncertain significance. Review status: no assertion criteria provided. Collection method: clinical testing. Allele origin: unknown. Affected: yes. Study: The Canadian Open Genetics Repository (COGR). Not counted in ClinVar's aggregate classification.
Comment: The KMT2B p.Ala2476Ala variant was not identified in the literature nor was it identified in ClinVar, Cosmic or LOVD 3.0. The variant was identified in dbSNP (ID: rs368560676) and in control databases in 35 of 274574 chromosomes at a frequency of 0.000127 (Genome Aggregation Database Feb 27, 2017). The variant was observed in the following populations: African in 30 of 23726 chromosomes (freq: 0.001264) and Latino in 5 of 34724 chromosomes (freq: 0.000144); it was not observed in the Ashkenazi Jewish, East Asian, European (Finnish), European (non-Finnish), Other, and South Asian populations. The p.Ala2476Ala variant is not expected to have clinical significance because it does not result in a change of amino acid and is not located in a known consensus splice site. However, 4 of 4 in silico or computational prediction software programs (SpliceSiteFinder, MaxEntScan, NNSPLICE, GeneSplicer) predict a greater than 10% difference in splicing and the creation of a new 3' splice site; this information is not predictive enough to assume pathogenicity. In summary, based on the above information the clinical significance of this variant cannot be determined with certainty at this time. This variant is classified as a variant of uncertain significance.